The following is an entry in ClinVar:

NM_005502.4(ABCA1):c.562C>A (p.Gln188Lys)

Gene: ABCA1 (ATP binding cassette subfamily A member 1; minus strand). Cytogenetic location: 9q31.1.
Variant type: single nucleotide variant.
Coding change: c.562C>A on transcript NM_005502.4 (MANE Select); coding-DNA position 562, C replaced by A.
Protein change: p.Gln188Lys; replaces glutamine 188 with lysine.
Molecular consequence: missense variant.
Genome position (GRCh38, 1-based): chr9:104,858,680, G>T on the plus strand (C>A on the coding strand, the complement: ABCA1 is on the minus strand). VCF-style: chr9-104858680-G-T. GRCh37 (hg19) VCF-style: chr9-107620961-G-T.
Other names: short protein forms Q188K.
Identifiers: ClinVar variation 913435 (VCV000913435.4), dbSNP rs201447364, ClinGen allele CA5169339.
Genomic context (GRCh38, chr9:104,858,680, plus strand): 5'-CACCAAGTTGAATCATCTCTTCTGATTTTGATCCATTGCACAGACTTGTCAAATGTAACT[G>T]GTAGCCTTGCAAAAATACCTGGAAGCATTTCATGCAAAGAGAGACAAGCACAAGAGGATT-3'
Protein context (NP_005493.2, residues 178-198): ILHKVFLQGY[Gln188Lys]LHLTSLCNGS

ClinVar aggregate classification (germline): Uncertain significance. Review status: criteria provided, single submitter (1 of 4 stars). 2 submissions from 1 submitter: Uncertain significance (2). Last evaluated 2017-04-27.

Conditions:
Tangier disease (TGD). Also called: HIGH DENSITY LIPOPROTEIN DEFICIENCY, TANGIER TYPE; HIGH DENSITY LIPOPROTEIN DEFICIENCY, TYPE 1; Cholesterol thesaurismosis. Identifiers: Orphanet 31150, MedGen C0039292, MONDO:0008783, OMIM 205400.
Hypoalphalipoproteinemia, primary, 1. Identifiers: Orphanet 425, MedGen C5231558, MONDO:0011393, OMIM 604091.

Allele frequency attached by ClinVar (database versions not stated): TOPMed 0.00001; ExAC 0.00002; gnomAD exomes 0.00002.
gnomAD v4.1: 37 of 1,613,948 alleles (0.0023%); highest among the groups gnomAD compares: East Asian, 0.06%; no homozygotes.

Submissions (2):

Illumina Laboratory Services, Illumina
Classification: Uncertain significance for Hypoalphalipoproteinemia, primary, 1. Last evaluated: 2017-04-27. Review status: criteria provided, single submitter. Criteria: ICSL Variant Classification Criteria 13 December 2019. Collection method: clinical testing. Allele origin: germline.
Comment: This variant was observed as part of a predisposition screen in an ostensibly healthy population. A literature search was performed for the gene, cDNA change, and amino acid change (where applicable). Publications were found based on this search. However, the evidence from the literature, in combination with allele frequency data from public databases where available, was not sufficient to rule this variant in or out of causing disease. Therefore, this variant is classified as a variant of unknown significance.

Illumina Laboratory Services, Illumina
Classification: Uncertain significance for Tangier disease. Last evaluated: 2017-04-27. Review status: criteria provided, single submitter. Criteria: ICSL Variant Classification Criteria 13 December 2019. Collection method: clinical testing. Allele origin: germline.
Comment: the same text as in the submission from Illumina Laboratory Services, Illumina above.

Literature cited by the submitters: PubMed 25215231.